The following is an entry in ClinVar:

NM_000059.4(BRCA2):c.4436G>A (p.Ser1479Asn)

Gene: BRCA2 (BRCA2 DNA repair associated; plus strand). Cytogenetic location: 13q13.1.
Variant type: single nucleotide variant.
Coding change: c.4436G>A on transcript NM_000059.4 (MANE Select); coding-DNA position 4436, G replaced by A.
Protein change: p.Ser1479Asn; replaces serine 1479 with asparagine.
Molecular consequence: missense variant.
Genome position (GRCh38, 1-based): chr13:32,338,791, G>A. VCF-style: chr13-32338791-G-A. GRCh37 (hg19) VCF-style: chr13-32912928-G-A.
Other names: short protein forms S1479N.
Identifiers: ClinVar variation 1007927 (VCV001007927.14), dbSNP rs80358678, ClinGen allele CA387781313.

ClinVar aggregate classification (germline): Conflicting classifications of pathogenicity. Review status: criteria provided, conflicting classifications (1 of 4 stars). 4 submissions from 4 submitters: Uncertain significance (3); Likely benign (1). Last evaluated 2023-03-23.

Conditions:
Hereditary cancer-predisposing syndrome. Also called: Tumor predisposition; Hereditary neoplastic syndrome; Neoplastic Syndromes, Hereditary; Hereditary Cancer Syndrome. Identifiers: Orphanet 140162, MedGen C0027672, MeSH D009386, MONDO:0015356.
Hereditary breast ovarian cancer syndrome. Also called: BRCA1- and BRCA2-Associated Hereditary Breast and Ovarian Cancer; Hereditary breast and ovarian cancer; Hereditary breast and ovarian cancer syndrome; Breast and ovarian cancer; Hereditary breast and/or ovarian cancer syndrome; Hereditary breast and ovarian cancer syndrome (HBOC). Identifiers: Orphanet 145, MedGen C0677776, MeSH D061325, MONDO:0003582. Disease mechanism: loss of function.

gnomAD v4.1: 1 of 1,613,034 alleles (0.000062%); highest among the groups gnomAD compares: East Asian, 0.0022%; no homozygotes.

Submissions (4):

University of Washington Department of Laboratory Medicine, University of Washington
Classification: Likely benign for Hereditary cancer-predisposing syndrome. Last evaluated: 2023-03-23. Review status: criteria provided, single submitter. Criteria: Dines et al. (Genet Med. 2020). Collection method: curation. Allele origin: germline.
Comment: Missense variant in a coldspot region where missense variants are very unlikely to be pathogenic (PMID:31911673).

BRCA2 exon 11 coldspot. Reclassification based on statistical prior probability.

Ambry Genetics
Classification: Uncertain significance for Hereditary cancer-predisposing syndrome. Last evaluated: 2022-08-16. Review status: criteria provided, single submitter. Criteria: Ambry Variant Classification Scheme 2023. Collection method: clinical testing. Allele origin: germline.
Comment: The p.S1479N variant (also known as c.4436G>A), located in coding exon 10 of the BRCA2 gene, results from a G to A substitution at nucleotide position 4436. The serine at codon 1479 is replaced by asparagine, an amino acid with highly similar properties. This alteration was detected in a cohort of 230 high-risk breast cancer patients from China (Su Y et al. Front Genet, 2021 Nov;12:674094). This amino acid position is not well conserved in available vertebrate species. In addition, this alteration is predicted to be tolerated by in silico analysis. Since supporting evidence is limited at this time, the clinical significance of this alteration remains unclear.

Color Diagnostics, LLC DBA Color Health
Classification: Uncertain significance for Hereditary cancer-predisposing syndrome. Last evaluated: 2020-08-04. Review status: criteria provided, single submitter. Criteria: ACMG Guidelines, 2015. Collection method: clinical testing. Allele origin: germline.
Comment: This missense variant replaces serine with asparagine at codon 1479 of the BRCA2 protein. Computational prediction suggests that this variant may not impact protein structure and function (internally defined REVEL score threshold <= 0.5, PMID: 27666373). To our knowledge, functional studies have not been reported for this variant. This variant has not been reported in individuals affected with hereditary cancer in the literature. This variant has not been identified in the general population by the Genome Aggregation Database (gnomAD). The available evidence is insufficient to determine the role of this variant in disease conclusively. Therefore, this variant is classified as a Variant of Uncertain Significance.

Labcorp Genetics (formerly Invitae), Labcorp
Classification: Uncertain significance for Hereditary breast ovarian cancer syndrome. Last evaluated: 2020-03-23. Review status: criteria provided, single submitter. Criteria: Invitae Variant Classification Sherloc (09022015). Collection method: clinical testing. Allele origin: germline.
Comment: In summary, the available evidence is currently insufficient to determine the role of this variant in disease. Therefore, it has been classified as a Variant of Uncertain Significance. Algorithms developed to predict the effect of missense changes on protein structure and function output the following: SIFT: "Tolerated"; PolyPhen-2: "Benign"; Align-GVGD: "Class C0". The asparagine amino acid residue is found in multiple mammalian species, suggesting that this missense change does not adversely affect protein function. These predictions have not been confirmed by published functional studies and their clinical significance is uncertain. This variant has not been reported in the literature in individuals with BRCA2-related conditions. This variant is not present in population databases (ExAC no frequency). This sequence change replaces serine with asparagine at codon 1479 of the BRCA2 protein (p.Ser1479Asn). The serine residue is weakly conserved and there is a small physicochemical difference between serine and asparagine.

Literature cited by the submitters: PubMed 34917121 (cited by Ambry Genetics).